The following is an entry in ClinVar:

ClinVar aggregate classification (germline): Uncertain significance (1 of 4 stars; one submission).

Allele frequency attached by ClinVar (database versions not stated): gnomAD exomes below 0.00001; gnomAD 0.00001; TOPMed 0.00001.
gnomAD v4.1: 7 of 1,614,050 alleles (0.00043%); highest among the groups gnomAD compares: Non-Finnish European, 0.00042%; no homozygotes.

Submission:

Labcorp Genetics (formerly Invitae), Labcorp
Classification: Uncertain significance. Last evaluated: 2021-09-24. Review status: criteria provided, single submitter. Criteria: Invitae Variant Classification Sherloc (09022015). Collection method: clinical testing. Allele origin: germline.
Comment: Algorithms developed to predict the effect of missense changes on protein structure and function are either unavailable or do not agree on the potential impact of this missense change (SIFT: "Deleterious"; PolyPhen-2: "Not Available"; Align-GVGD: "Class C55"). This variant has not been reported in the literature in individuals affected with SRCAP-related conditions. This variant is not present in population databases (ExAC no frequency). This sequence change replaces threonine with serine at codon 240 of the SRCAP protein (p.Thr240Ser). The threonine residue is highly conserved and there is a small physicochemical difference between threonine and serine. In summary, the available evidence is currently insufficient to determine the role of this variant in disease. Therefore, it has been classified as a Variant of Uncertain Significance.

NM_006662.3(SRCAP):c.719C>G (p.Thr240Ser)

Gene: SRCAP (Snf2 related CREBBP activator protein; plus strand). Cytogenetic location: 16p11.2.
Variant type: single nucleotide variant.
Coding change: c.719C>G on transcript NM_006662.3 (MANE Select); coding-DNA position 719, C replaced by G.
Protein change: p.Thr240Ser; replaces threonine 240 with serine.
Molecular consequence: missense variant.
Genome position (GRCh38, 1-based): chr16:30,709,598, C>G. VCF-style: chr16-30709598-C-G. GRCh37 (hg19) VCF-style: chr16-30720919-C-G.
Other names: short protein forms T240S.
Identifiers: ClinVar variation 1475336 (VCV001475336.6), dbSNP rs1243983708, ClinGen allele CA395601967.